The following is an entry in ClinVar:

ClinVar aggregate classification (germline): Uncertain significance (1 of 4 stars; one submission).

Conditions:
Neuronopathy, distal hereditary motor, type 7A. Also called: SPINAL MUSCULAR ATROPHY, DISTAL, WITH VOCAL CORD PARALYSIS; Neuronopathy, distal hereditary motor, type viia; HARPER-YOUNG MYOPATHY; HMN VIIA; NEURONOPATHY, DISTAL HEREDITARY MOTOR, HARDING TYPE VIIA; NEUROPATHY, DISTAL HEREDITARY MOTOR, HARDING TYPE VIIA. Identifiers: Orphanet 139589, MedGen C1834703, MONDO:0008024, OMIM 158580.
Congenital myasthenic syndrome 20. Also called: Myasthenic syndrome, congenital, 20, presynaptic. Identifiers: MedGen C4310694, MONDO:0014939, OMIM 617143.

Submission:

Labcorp Genetics (formerly Invitae), Labcorp
Classification: Uncertain significance for Neuronopathy, distal hereditary motor, type 7A; Congenital myasthenic syndrome 20. Last evaluated: 2023-05-24. Review status: criteria provided, single submitter. Criteria: Invitae Variant Classification Sherloc (09022015). Collection method: clinical testing. Allele origin: germline.
Comment: Algorithms developed to predict the effect of sequence changes on RNA splicing suggest that this variant may disrupt the consensus splice site. This sequence change falls in intron 5 of the SLC5A7 gene. It does not directly change the encoded amino acid sequence of the SLC5A7 protein. This variant is not present in population databases (gnomAD no frequency). This variant has not been reported in the literature in individuals affected with SLC5A7-related conditions. In summary, the available evidence is currently insufficient to determine the role of this variant in disease. Therefore, it has been classified as a Variant of Uncertain Significance.

NM_021815.5(SLC5A7):c.598-12T>C

Gene: SLC5A7 (solute carrier family 5 member 7; plus strand). Cytogenetic location: 2q12.3.
Variant type: single nucleotide variant.
Coding change: c.598-12T>C on transcript NM_021815.5 (MANE Select); 12 bases into the intron before coding-DNA position 598, T replaced by C.
Molecular consequence: intron variant.
Genome position (GRCh38, 1-based): chr2:108,001,885, T>C. VCF-style: chr2-108001885-T-C. GRCh37 (hg19) VCF-style: chr2-108618341-T-C.
Other names: c.-107-49T>C (NM_001305007.3); c.598-12T>C (NM_001305005.3); c.283-12T>C (NM_001305006.3).
Identifiers: ClinVar variation 2936439 (VCV002936439.3), dbSNP rs2467100005, ClinGen allele CA2577062166.
Genomic context (GRCh38, chr2:108,001,885, plus strand): 5'-GTGTACAAATCTTGCATATATCAGACAGTTGAAAACCATCGCCTAGGGCTCCAGTGTCAC[T>C]TTCTGTTGCAGTGGATCAGCGTCCCCTTTGCATTGTCACATCCTGCAGTCGCAGACATCG-3'